The following is an entry in ClinVar:

NM_000208.4(INSR):c.2081C>T (p.Ser694Phe)

Gene: INSR (insulin receptor; minus strand). Cytogenetic location: 19p13.2.
Variant type: single nucleotide variant.
Coding change: c.2081C>T on transcript NM_000208.4 (MANE Select); coding-DNA position 2081, C replaced by T.
Protein change: p.Ser694Phe; replaces serine 694 with phenylalanine.
Molecular consequence: missense variant.
Genome position (GRCh38, 1-based): chr19:7,152,876, G>A on the plus strand (C>T on the coding strand, the complement: INSR is on the minus strand). VCF-style: chr19-7152876-G-A. GRCh37 (hg19) VCF-style: chr19-7152887-G-A.
Other names: c.2081C>T, p.Ser694Phe (NM_001079817.3); c.2081C>T (NM_000208.2); short protein forms S694F.
Identifiers: ClinVar variation 1337609 (VCV001337609.10), dbSNP rs574155637, ClinGen allele CA9135671.

ClinVar aggregate classification (germline): Uncertain significance. Review status: criteria provided, multiple submitters, no conflicts (2 of 4 stars). 3 submissions from 3 submitters: Uncertain significance (3). Last evaluated 2025-11-02.

Conditions:
Inborn genetic diseases. Identifiers: MedGen C0950123, MeSH D030342.

Allele frequency attached by ClinVar (database versions not stated): ExAC 0.00003; gnomAD exomes 0.00003; TOPMed 0.00004; gnomAD 0.00009; 1000 Genomes Project 30x 0.00016; 1000 Genomes Project 0.00020.
gnomAD v4.1: 26 of 1,613,094 alleles (0.0016%); highest among the groups gnomAD compares: African/African-American, 0.015%; no homozygotes.

Submissions (3):

Ambry Genetics
Classification: Uncertain significance for Inborn genetic diseases. Last evaluated: 2025-11-02. Review status: criteria provided, single submitter. Criteria: Ambry Variant Classification Scheme 2023. Collection method: clinical testing. Allele origin: germline.

CeGaT Center for Human Genetics Tuebingen
Classification: Uncertain significance. Last evaluated: 2025-11-01. Review status: criteria provided, single submitter. Criteria: CeGaT Center For Human Genetics Tuebingen Variant Classification Criteria Version 2. Collection method: clinical testing. Allele origin: germline. Affected: yes. Observed: 1 variant allele.

Genetic Services Laboratory, University of Chicago
Classification: Uncertain significance. Last evaluated: 2021-11-15. Review status: criteria provided, single submitter. Criteria: ACMG Guidelines, 2015. Collection method: clinical testing. Allele origin: germline. Affected: no.
Comment: This sequence change does not appear to have been previously described in individuals with INSR-related disorders. This sequence change has been described in the gnomAD database with a frequency of 0.0039% (dbSNP rs574155637). The p.Ser694Phe change affects a poorly conserved amino acid residue located in a domain of the INSR protein that is known to be functional. The p.Ser694Phe substitution appears to be benign using several in-silico pathogenicity prediction tools (SIFT, PolyPhen2, Align GVGD, REVEL). Due to insufficient evidence and the lack of functional studies, the clinical significance of the p.Ser694Phe change remains unknown at this time.